The following is an entry in ClinVar:

ClinVar aggregate classification (germline): Conflicting classifications of pathogenicity. Review status: criteria provided, conflicting classifications (1 of 4 stars). 2 submissions from 2 submitters: Uncertain significance (1); Likely benign (1). Last evaluated 2025-03-16.

Submissions (2):

Labcorp Genetics (formerly Invitae), Labcorp
Classification: Uncertain significance. Last evaluated: 2025-03-16. Review status: criteria provided, single submitter. Criteria: Invitae Variant Classification Sherloc (09022015). Collection method: clinical testing. Allele origin: germline.
Comment: This sequence change falls in intron 25 of the PIEZO1 gene. It does not directly change the encoded amino acid sequence of the PIEZO1 protein. This variant is present in population databases (no rsID available, gnomAD 0.03%). This variant has not been reported in the literature in individuals affected with PIEZO1-related conditions. In summary, the available evidence is currently insufficient to determine the role of this variant in disease. Therefore, it has been classified as a Variant of Uncertain Significance.

Blueprint Genetics
Classification: Likely benign. Last evaluated: 2023-12-27. Review status: criteria provided, single submitter. Criteria: ACMG Guidelines, 2015. Collection method: clinical testing. Allele origin: germline.

NM_001142864.4(PIEZO1):c.3700-18_3700-17insGCTGGCCCCGCTGACCCT

Gene: PIEZO1 (piezo type mechanosensitive ion channel component 1 (Er blood group); minus strand). Cytogenetic location: 16q24.3.
Variant type: Microsatellite.
Coding change: c.3700-18_3700-17insGCTGGCCCCGCTGACCCT on transcript NM_001142864.4 (MANE Select); 18 bases into the intron before coding-DNA position 3700 through 17 bases into the intron before coding-DNA position 3700, GCTGGCCCCGCTGACCCT inserted.
Molecular consequence: intron variant.
Genome position: GRCh38 VCF-style: chr16-88726660-T-TCAGCAGGGTCAGCGGGGC. GRCh37 (hg19) VCF-style: chr16-88793068-T-TCAGCAGGGTCAGCGGGGC.
Identifiers: ClinVar variation 4709492 (VCV004709492.2).